The following is an entry in ClinVar:

ClinVar aggregate classification (germline): Uncertain significance (1 of 4 stars; one submission).

Conditions:
Candidiasis, familial, 9 (CANDF9). Identifiers: Orphanet 1334, MedGen C4225324, MONDO:0014642, OMIM 616445.

Submission:

Labcorp Genetics (formerly Invitae), Labcorp
Classification: Uncertain significance for Candidiasis, familial, 9. Last evaluated: 2023-12-21. Review status: criteria provided, single submitter. Criteria: Invitae Variant Classification Sherloc (09022015). Collection method: clinical testing. Allele origin: germline.
Comment: This variant, c.2106_2135del, results in the deletion of 10 amino acid(s) of the IL17RC protein (p.Cys704_Ala713del), but otherwise preserves the integrity of the reading frame. This variant is not present in population databases (gnomAD no frequency). This variant has not been reported in the literature in individuals affected with IL17RC-related conditions. ClinVar contains an entry for this variant (Variation ID: 2008817). Experimental studies and prediction algorithms are not available or were not evaluated, and the functional significance of this variant is currently unknown. In summary, the available evidence is currently insufficient to determine the role of this variant in disease. Therefore, it has been classified as a Variant of Uncertain Significance.

NM_153460.4(IL17RC):c.1893_1922del (p.Cys633_Ala642del)

Gene: IL17RC (interleukin 17 receptor C; plus strand). Cytogenetic location: 3p25.3.
Variant type: Deletion.
Coding change: c.1893_1922del on transcript NM_153460.4 (MANE Select); coding-DNA positions 1893 to 1922, 30 bases deleted (GGCCTGCTTCGACAGGCTGCTCCACCCGGA).
Protein change: p.Cys633_Ala642del.
Molecular consequence: inframe deletion. On other transcripts: inframe indel (1), non-coding transcript variant (1).
Genome position (GRCh38, 1-based): chr3:9,933,323-9,933,352, GGCCTGCTTCGACAGGCTGCTCCACCCGGA deleted. VCF-style (leftmost placement, unchanged base first): chr3-9933322-GGGCCTGCTTCGACAGGCTGCTCCACCCGGA-G. GRCh37 (hg19) VCF-style: chr3-9975006-GGGCCTGCTTCGACAGGCTGCTCCACCCGGA-G.
Other names: c.1854_1883del, p.Cys620_Ala629del (NM_001203263.2); c.1803_1832del, p.Cys603_Ala612del (NM_001203264.2); c.1797_1826del, p.Cys601_Ala610del (NM_001203265.2); c.1815_1844del, p.Cys607_Ala616del (NM_001367278.1); c.1734_1763del, p.Cys580_Ala589del (NM_001367279.1); c.1809_1838del, p.Cys605_Ala614del (NM_001367280.1); c.1758_1787del30, p.Cys588_Ala597del (NM_001410711.1); c.1848_1877del, p.Cys618_Ala627del (NM_032732.6); and 1 more.
Identifiers: ClinVar variation 2008817 (VCV002008817.4), dbSNP rs2470447187, ClinGen allele CA2580070630.